The following is an entry in ClinVar:

NM_001079802.2(FKTN):c.885C>G (p.Phe295Leu)

Gene: FKTN (fukutin; plus strand). Cytogenetic location: 9q31.2.
Variant type: single nucleotide variant.
Coding change: c.885C>G on transcript NM_001079802.2 (MANE Select); coding-DNA position 885, C replaced by G.
Protein change: p.Phe295Leu; replaces phenylalanine 295 with leucine.
Molecular consequence: missense variant. On other transcripts: non-coding transcript variant (1).
Genome position (GRCh38, 1-based): chr9:105,615,382, C>G. VCF-style: chr9-105615382-C-G. GRCh37 (hg19) VCF-style: chr9-108377663-C-G.
Other names: c.885C>G, p.Phe295Leu (NM_001198963.2, NM_001351496.2, NM_001351498.2 and 1 more transcripts); c.816C>G, p.Phe272Leu (NM_001351497.2); c.489C>G, p.Phe163Leu (NM_001351499.2, NM_001351500.2, NM_001351501.2 and 1 more transcripts); short protein forms F295L, F163L, F272L.
Identifiers: ClinVar variation 579214 (VCV000579214.6), dbSNP rs1564319328, ClinGen allele CA374377310.

ClinVar aggregate classification (germline): Uncertain significance (1 of 4 stars; one submission).

Conditions:
Walker-Warburg congenital muscular dystrophy. Also called: Muscular dystrophy-dystroglycanopathy, type A; Walker-Warburg syndrome. Identifiers: Orphanet 899, MedGen C0265221, MONDO:0000171.

Submission:

Labcorp Genetics (formerly Invitae), Labcorp
Classification: Uncertain significance for Walker-Warburg congenital muscular dystrophy. Last evaluated: 2022-05-27. Review status: criteria provided, single submitter. Criteria: Invitae Variant Classification Sherloc (09022015). Collection method: clinical testing. Allele origin: germline.
Comment: This sequence change replaces phenylalanine, which is neutral and non-polar, with leucine, which is neutral and non-polar, at codon 295 of the FKTN protein (p.Phe295Leu). This variant is not present in population databases (gnomAD no frequency). This variant has not been reported in the literature in individuals affected with FKTN-related conditions. ClinVar contains an entry for this variant (Variation ID: 579214). Algorithms developed to predict the effect of missense changes on protein structure and function are either unavailable or do not agree on the potential impact of this missense change (SIFT: "Tolerated"; PolyPhen-2: "Probably Damaging"; Align-GVGD: "Class C0"). In summary, the available evidence is currently insufficient to determine the role of this variant in disease. Therefore, it has been classified as a Variant of Uncertain Significance.